The following is an entry in ClinVar:

NM_183357.3(ADCY5):c.3575G>T (p.Arg1192Leu)

Gene: ADCY5 (adenylate cyclase 5; minus strand). Cytogenetic location: 3q21.1.
Variant type: single nucleotide variant.
Coding change: c.3575G>T on transcript NM_183357.3 (MANE Select); coding-DNA position 3575, G replaced by T.
Protein change: p.Arg1192Leu; replaces arginine 1192 with leucine.
Molecular consequence: missense variant.
Genome position (GRCh38, 1-based): chr3:123,286,767, C>A on the plus strand (G>T on the coding strand, the complement: ADCY5 is on the minus strand). VCF-style: chr3-123286767-C-A. GRCh37 (hg19) VCF-style: chr3-123005614-C-A.
Other names: c.2525G>T, p.Arg842Leu (NM_001199642.1); c.3650G>T, p.Arg1217Leu (NM_001378259.1); short protein forms R1192L, R1217L, R842L.
Identifiers: ClinVar variation 5017365 (VCV005017365.1).

ClinVar aggregate classification (germline): Uncertain significance (1 of 4 stars; one submission).

gnomAD v4.1: 1 of 1,613,214 alleles (0.000062%); highest among the groups gnomAD compares: Non-Finnish European, 0.000085%; no homozygotes.

Submission:

GeneDx
Classification: Uncertain significance. Last evaluated: 2026-03-23. Review status: criteria provided, single submitter. Criteria: GeneDx Variant Classification Process June 2021. Collection method: clinical testing. Allele origin: germline.
Comment: Not observed at significant frequency in large population cohorts (gnomAD); In silico analysis supports that this missense variant has a deleterious effect on protein structure/function; Has not been previously published as pathogenic or benign to our knowledge